The following is an entry in ClinVar:

NM_002894.3(RBBP8):c.457C>G (p.Leu153Val)

Gene: RBBP8 (RB binding protein 8, endonuclease; plus strand). Cytogenetic location: 18q11.2.
Variant type: single nucleotide variant.
Coding change: c.457C>G on transcript NM_002894.3 (MANE Select); coding-DNA position 457, C replaced by G.
Protein change: p.Leu153Val; replaces leucine 153 with valine.
Molecular consequence: missense variant.
Genome position (GRCh38, 1-based): chr18:22,982,246, C>G. VCF-style: chr18-22982246-C-G. GRCh37 (hg19) VCF-style: chr18-20562209-C-G.
Other names: c.457C>G, p.Leu153Val (NM_203291.2, NM_203292.2); c.457C>G (NM_002894.2); short protein forms L153V.
Identifiers: ClinVar variation 2288952 (VCV002288952.5), dbSNP rs749228733, ClinGen allele CA8909834.

ClinVar aggregate classification (germline): Uncertain significance. Review status: criteria provided, multiple submitters, no conflicts (2 of 4 stars). 2 submissions from 2 submitters: Uncertain significance (2). Last evaluated 2022-05-11.

Conditions:
Inborn genetic diseases. Identifiers: MedGen C0950123, MeSH D030342.

Allele frequency attached by ClinVar (database versions not stated): ExAC 0.00002; gnomAD 0.00004; gnomAD exomes 0.00004; TOPMed 0.00004.
gnomAD v4.1: 63 of 1,613,900 alleles (0.0039%); highest among the groups gnomAD compares: Non-Finnish European, 0.0052%; no homozygotes.

Submissions (2):

Ambry Genetics
Classification: Uncertain significance for Inborn genetic diseases. Last evaluated: 2022-05-11. Review status: criteria provided, single submitter. Criteria: Ambry Variant Classification Scheme 2023. Collection method: clinical testing. Allele origin: germline.

Labcorp Genetics (formerly Invitae), Labcorp
Classification: Uncertain significance. Last evaluated: 2021-08-06. Review status: criteria provided, single submitter. Criteria: Invitae Variant Classification Sherloc (09022015). Collection method: clinical testing. Allele origin: germline.
Comment: This sequence change replaces leucine with valine at codon 153 of the RBBP8 protein (p.Leu153Val). The leucine residue is moderately conserved and there is a small physicochemical difference between leucine and valine. This variant is present in population databases (rs749228733, ExAC 0.003%). This variant has not been reported in the literature in individuals affected with RBBP8-related conditions. Algorithms developed to predict the effect of missense changes on protein structure and function are either unavailable or do not agree on the potential impact of this missense change (SIFT: "Deleterious"; PolyPhen-2: "Benign"; Align-GVGD: "Class C0"). In summary, the available evidence is currently insufficient to determine the role of this variant in disease. Therefore, it has been classified as a Variant of Uncertain Significance.